The following is an entry in ClinVar:

NM_001040108.2(MLH3):c.794A>C (p.His265Pro)

Gene: MLH3 (mutL homolog 3; minus strand). Cytogenetic location: 14q24.3.
Variant type: single nucleotide variant.
Coding change: c.794A>C on transcript NM_001040108.2 (MANE Select); coding-DNA position 794, A replaced by C.
Protein change: p.His265Pro; replaces histidine 265 with proline.
Molecular consequence: missense variant.
Genome position (GRCh38, 1-based): chr14:75,048,862, T>G on the plus strand (A>C on the coding strand, the complement: MLH3 is on the minus strand). VCF-style: chr14-75048862-T-G. GRCh37 (hg19) VCF-style: chr14-75515565-T-G.
Other names: c.794A>C, p.His265Pro (NM_014381.3); short protein forms H265P.
Identifiers: ClinVar variation 1761345 (VCV001761345.2), dbSNP rs1892459266, ClinGen allele CA390449040.

ClinVar aggregate classification (germline): Uncertain significance (1 of 4 stars; one submission).

Submission:

Ambry Genetics
Classification: Uncertain significance. Last evaluated: 2022-10-27. Review status: criteria provided, single submitter. Criteria: Ambry Variant Classification Scheme 2023. Collection method: clinical testing. Allele origin: germline.
Comment: The p.H265P variant (also known as c.794A>C), located in coding exon 1 of the MLH3 gene, results from an A to C substitution at nucleotide position 794. The histidine at codon 265 is replaced by proline, an amino acid with similar properties. This amino acid position is conserved. In addition, this alteration is predicted to be deleterious by in silico analysis. Since supporting evidence is limited at this time, the clinical significance of this alteration remains unclear.